The following is an entry in ClinVar:

ClinVar aggregate classification (germline): Likely benign. Review status: criteria provided, single submitter (1 of 4 stars). 2 submissions from 2 submitters: Likely benign (1). 1 of the submissions does not count toward it. Last evaluated 2025-03-03.

Conditions:
TTC21B-related disorder. Also called: TTC21B-related condition; TTC21B-related disorders.
Nephronophthisis. Also called: Juvenile Nephronophthisis. Identifiers: Orphanet 655, MedGen C0687120, MONDO:0019005, HP:0000090.
Jeune thoracic dystrophy. Also called: Jeune syndrome; Infantile thoracic dystrophy; Thoracic pelvic phalangeal dystrophy; Jeune's syndrome; Chondroectodermal dysplasia-like syndrome; Short-rib thoracic dysplasia. Identifiers: Orphanet 474, MedGen C0265275, MONDO:0018770.

Allele frequency attached by ClinVar (database versions not stated): gnomAD exomes below 0.00001; TOPMed 0.00003.
gnomAD v4.1: 10 of 1,613,646 alleles (0.00062%); highest among the groups gnomAD compares: Non-Finnish European, 0.00051%; no homozygotes.

Submissions (2):

Labcorp Genetics (formerly Invitae), Labcorp
Classification: Likely benign for Jeune thoracic dystrophy; Nephronophthisis. Last evaluated: 2025-03-03. Review status: criteria provided, single submitter. Criteria: Invitae Variant Classification Sherloc (09022015). Collection method: clinical testing. Allele origin: germline.

PreventionGenetics, part of Exact Sciences
Classification: Likely benign for TTC21B-related condition. Last evaluated: 2023-08-18. Review status: no assertion criteria provided. Collection method: clinical testing. Allele origin: germline. Not counted in ClinVar's aggregate classification.
Comment: This variant is classified as likely benign based on ACMG/AMP sequence variant interpretation guidelines (Richards et al. 2015 PMID: 25741868, with internal and published modifications).

NM_024753.5(TTC21B):c.3939T>C (p.Ser1313=)

Gene: TTC21B (tetratricopeptide repeat domain 21B; minus strand). Cytogenetic location: 2q24.3.
Variant type: single nucleotide variant.
Coding change: c.3939T>C on transcript NM_024753.5 (MANE Select); coding-DNA position 3939, T replaced by C.
Protein change: p.Ser1313=; no amino-acid change (serine 1313 retained).
Molecular consequence: synonymous variant.
Genome position (GRCh38, 1-based): chr2:165,874,767, A>G on the plus strand (T>C on the coding strand, the complement: TTC21B is on the minus strand). VCF-style: chr2-165874767-A-G. GRCh37 (hg19) VCF-style: chr2-166731277-A-G.
Identifiers: ClinVar variation 416983 (VCV000416983.12), dbSNP rs1060504949, ClinGen allele CA16610186.